The following is an entry in ClinVar:

NM_015030.2(FRYL):c.8123A>T (p.His2708Leu)

Gene: FRYL (FRY like transcription coactivator; minus strand). Cytogenetic location: 4p11.
Variant type: single nucleotide variant.
Coding change: c.8123A>T on transcript NM_015030.2 (MANE Select); coding-DNA position 8123, A replaced by T.
Protein change: p.His2708Leu; replaces histidine 2708 with leucine.
Molecular consequence: missense variant.
Genome position (GRCh38, 1-based): chr4:48,512,503, T>A on the plus strand (A>T on the coding strand, the complement: FRYL is on the minus strand). VCF-style: chr4-48512503-T-A. GRCh37 (hg19) VCF-style: chr4-48514520-T-A.
Other names: short protein forms H2708L.
Identifiers: ClinVar variation 3731237 (VCV003731237.1).

ClinVar aggregate classification (germline): Uncertain significance (1 of 4 stars; one submission).

Submission:

GeneDx
Classification: Uncertain significance. Last evaluated: 2024-08-15. Review status: criteria provided, single submitter. Criteria: GeneDx Variant Classification Process June 2021. Collection method: clinical testing. Allele origin: germline. Affected: yes.
Comment: Not observed at significant frequency in large population cohorts (gnomAD); In silico analysis supports that this missense variant has a deleterious effect on protein structure/function; Has not been previously published as pathogenic or benign to our knowledge